The following is an entry in ClinVar:

ClinVar aggregate classification (germline): Conflicting classifications of pathogenicity. Review status: criteria provided, conflicting classifications (1 of 4 stars). 7 submissions from 6 submitters: Uncertain significance (3); Benign (3); Likely benign (1). Last evaluated 2026-01-07.

Conditions:
Dyskeratosis congenita, autosomal dominant 3. Identifiers: MedGen C3151445, MONDO:0013522, OMIM 613990.
Revesz syndrome. Also called: DYSKERATOSIS CONGENITA, AUTOSOMAL DOMINANT 5; EXUDATIVE RETINOPATHY WITH BONE MARROW FAILURE. Identifiers: Orphanet 3088, MedGen C1327916, MONDO:0009990, OMIM 268130.
Dyskeratosis congenita. Identifiers: Orphanet 1775, MedGen C0265965, MONDO:0015780.

Allele frequency attached by ClinVar (database versions not stated): TOPMed 0.00004; gnomAD 0.00006; gnomAD exomes 0.00011; ExAC 0.00014; ESP Exome Variant Server 0.00025.

Submissions (7):

Labcorp Genetics (formerly Invitae), Labcorp
Classification: Uncertain significance for Dyskeratosis congenita. Last evaluated: 2026-01-07. Review status: criteria provided, single submitter. Criteria: Invitae Variant Classification Sherloc (09022015). Collection method: clinical testing. Allele origin: germline.
Comment: This sequence change replaces glutamine, which is neutral and polar, with arginine, which is basic and polar, at codon 21 of the TINF2 protein (p.Gln21Arg). This variant is present in population databases (rs367835995, gnomAD 0.02%). This variant has not been reported in the literature in individuals affected with TINF2-related conditions. ClinVar contains an entry for this variant (Variation ID: 312957). An algorithm developed to predict the effect of missense changes on protein structure and function outputs the following: PolyPhen-2: "Benign". The arginine amino acid residue is found in multiple mammalian species, which suggests that this missense change does not adversely affect protein function. In summary, the available evidence is currently insufficient to determine the role of this variant in disease. Therefore, it has been classified as a Variant of Uncertain Significance.

Center for Genomic Medicine, Rigshospitalet, Copenhagen University Hospital
Classification: Uncertain significance. Last evaluated: 2025-03-04. Review status: criteria provided, single submitter. Criteria: ACMG Guidelines, 2015. Collection method: clinical testing. Allele origin: germline.

Blueprint Genetics
Classification: Likely benign. Last evaluated: 2024-11-25. Review status: criteria provided, single submitter. Criteria: ACMG Guidelines, 2015. Collection method: clinical testing. Allele origin: germline.

GeneDx
Classification: Uncertain significance. Last evaluated: 2022-12-15. Review status: criteria provided, single submitter. Criteria: GeneDx Variant Classification Process June 2021. Collection method: clinical testing. Allele origin: germline. Affected: yes.
Comment: In silico analysis supports that this missense variant does not alter protein structure/function; Has not been previously published as pathogenic or benign to our knowledge; This variant is associated with the following publications: (PMID: 28166811)

Centre for Mendelian Genomics, University Medical Centre Ljubljana
Classification: Benign for Dyskeratosis congenita, autosomal dominant 3. Last evaluated: 2018-10-25. Review status: criteria provided, single submitter. Criteria: ACMG Guidelines, 2015. Collection method: clinical testing. Allele origin: unknown. Affected: yes.
Comment: This variant was classified as: Benign. The following ACMG criteria were applied in classifying this variant: BS1,BS2.

Illumina Laboratory Services, Illumina
Classification: Benign for Revesz syndrome. Last evaluated: 2018-01-13. Review status: criteria provided, single submitter. Criteria: ICSL Variant Classification Criteria 13 December 2019. Collection method: clinical testing. Allele origin: germline.
Comment: This variant was observed in the ICSL laboratory as part of a predisposition screen in an ostensibly healthy population. It had not been previously curated by ICSL or reported in the Human Gene Mutation Database (HGMD: prior to June 1st, 2018), and was therefore a candidate for classification through an automated scoring system. Utilizing variant allele frequency, disease prevalence and penetrance estimates, and inheritance mode, an automated score was calculated to assess if this variant is too frequent to cause the disease. Based on the score and internal cut-off values, a variant classified as benign is not then subjected to further curation. The score for this variant resulted in a classification of benign for this disease.

Illumina Laboratory Services, Illumina
Classification: Benign for Dyskeratosis congenita, autosomal dominant 3. Last evaluated: 2018-01-13. Review status: criteria provided, single submitter. Criteria: ICSL Variant Classification Criteria 13 December 2019. Collection method: clinical testing. Allele origin: germline.
Comment: the same text as in the submission from Illumina Laboratory Services, Illumina above.

NM_001099274.3(TINF2):c.62A>G (p.Gln21Arg)

Genes: TINF2 (TERF1 interacting nuclear factor 2; minus strand), LOC130055403 (ATAC-STARR-seq lymphoblastoid active region 8199; plus strand). Cytogenetic location: 14q12.
Variant type: single nucleotide variant.
Coding change: c.62A>G on transcript NM_001099274.3 (MANE Select); coding-DNA position 62, A replaced by G.
Protein change: p.Gln21Arg; replaces glutamine 21 with arginine.
Molecular consequence: missense variant.
Genome position (GRCh38, 1-based): chr14:24,242,271, T>C on the plus strand (A>G on the coding strand, the complement: TINF2 is on the minus strand). VCF-style: chr14-24242271-T-C. GRCh37 (hg19) VCF-style: chr14-24711477-T-C.
Other names: c.62A>G, p.Gln21Arg (NM_001363668.2, NM_012461.3); short protein forms Q21R.
Identifiers: ClinVar variation 312957 (VCV000312957.18), dbSNP rs367835995, ClinGen allele CA7130763.
Genomic context (GRCh38, chr14:24,242,271, plus strand): 5'-AGAGATCGCAGAAACTCCAGTACTCGCGGAAAATGTTCCACGCAGCGTCCGCGCACAACC[T>C]GCCAGCTAGCCGCGGCGGCGAAGCGTAGAGCTGCGGGACCCGCCACCAGGGGCGTAGCCA-3'
Protein context (NP_001092744.1, residues 11-31): ALRFAAAASW[Gln21Arg]VVRGRCVEHF